The following is an entry in ClinVar:

NM_003200.5(TCF3):c.1387G>T (p.Ala463Ser)

Gene: TCF3 (transcription factor 3; minus strand). Cytogenetic location: 19p13.3.
Variant type: single nucleotide variant.
Coding change: c.1387G>T on transcript NM_003200.5 (MANE Select); coding-DNA position 1387, G replaced by T.
Protein change: p.Ala463Ser; replaces alanine 463 with serine.
Molecular consequence: missense variant.
Genome position (GRCh38, 1-based): chr19:1,619,174, C>A on the plus strand (G>T on the coding strand, the complement: TCF3 is on the minus strand). VCF-style: chr19-1619174-C-A. GRCh37 (hg19) VCF-style: chr19-1619173-C-A.
Other names: c.1387G>T, p.Ala463Ser (NM_001136139.4, NM_001351779.2); c.1384G>T, p.Ala462Ser (NM_001351778.2); short protein forms A463S, A462S.
Identifiers: ClinVar variation 2985360 (VCV002985360.3), dbSNP rs375753059, ClinGen allele CA9049877.

ClinVar aggregate classification (germline): Uncertain significance (1 of 4 stars; one submission).

gnomAD v4.1: 2 of 1,600,172 alleles (0.00012%); highest among the groups gnomAD compares: Non-Finnish European, 0.00017%; no homozygotes.

Submission:

Labcorp Genetics (formerly Invitae), Labcorp
Classification: Uncertain significance. Last evaluated: 2023-12-18. Review status: criteria provided, single submitter. Criteria: Invitae Variant Classification Sherloc (09022015). Collection method: clinical testing. Allele origin: germline.
Comment: This sequence change replaces alanine, which is neutral and non-polar, with serine, which is neutral and polar, at codon 463 of the TCF3 protein (p.Ala463Ser). This variant is present in population databases (rs375753059, gnomAD 0.0009%). This variant has not been reported in the literature in individuals affected with TCF3-related conditions. Advanced modeling of protein sequence and biophysical properties (such as structural, functional, and spatial information, amino acid conservation, physicochemical variation, residue mobility, and thermodynamic stability) performed at Invitae indicates that this missense variant is not expected to disrupt TCF3 protein function with a negative predictive value of 80%. In summary, the available evidence is currently insufficient to determine the role of this variant in disease. Therefore, it has been classified as a Variant of Uncertain Significance.